The following is an entry in ClinVar:

NC_000015.9:g.(?_44898203)_(44907784_?)del

Gene: SPG11 (SPG11 vesicle trafficking associated, spatacsin; minus strand). Cytogenetic location: 15q21.1.
Variant type: Deletion.
Identifiers: ClinVar variation 1459963 (VCV001459963.4).

ClinVar aggregate classification (germline): Pathogenic (1 of 4 stars; one submission).

Conditions:
Hereditary spastic paraplegia 11. Also called: Spastic Paraplegia 11; Nakamura Osame syndrome; Autosomal recessive hereditary spastic paraplegia, mental impairment, and thin corpus callosum; SPASTIC PARAPLEGIA, AUTOSOMAL RECESSIVE, COMPLICATED, WITH THIN CORPUS CALLOSUM; SPASTIC PARAPLEGIA, AUTOSOMAL RECESSIVE, WITH MENTAL IMPAIRMENT AND THIN CORPUS CALLOSUM; Spastic paraplegia, mental retardation and thin corpus callosum. Identifiers: Orphanet 2822, MedGen C1858479, MONDO:0011445, OMIM 604360.

Submission:

Labcorp Genetics (formerly Invitae), Labcorp
Classification: Pathogenic for Hereditary spastic paraplegia 11. Last evaluated: 2023-08-19. Review status: criteria provided, single submitter. Criteria: Invitae Variant Classification Sherloc (09022015). Collection method: clinical testing. Allele origin: germline.
Comment: This variant is a gross deletion of the genomic region encompassing exon(s) 16-20 of the SPG11 gene. This deletion is out-of-frame, and is expected to create a premature termination codon and result in an absent or disrupted protein product. Loss-of-function variants in SPG11 are known to be pathogenic (PMID: 19105190, 20110243, 22154821, 26556829). This variant has not been reported in the literature in individuals affected with SPG11-related conditions. For these reasons, this variant has been classified as Pathogenic.

Literature cited by the submitters: PubMed 19105190; PubMed 20110243; PubMed 22154821; PubMed 26556829.